The following is an entry in ClinVar:

NM_001378615.1(CC2D2A):c.232C>T (p.Arg78Trp)

Genes: CC2D2A (coiled-coil and C2 domain containing 2A; plus strand), FBXL5 (F-box and leucine rich repeat protein 5; minus strand). Cytogenetic location: 4p15.32.
Variant type: single nucleotide variant.
Coding change: c.232C>T on transcript NM_001378615.1 (MANE Select); coding-DNA position 232, C replaced by T.
Protein change: p.Arg78Trp; replaces arginine 78 with tryptophan.
Molecular consequence: missense variant.
Genome position (GRCh38, 1-based): chr4:15,480,812, C>T. VCF-style: chr4-15480812-C-T. GRCh37 (hg19) VCF-style: chr4-15482436-C-T.
Other names: c.232C>T, p.Arg78Trp (NM_001080522.2, NM_001164720.3); c.85C>T, p.Arg29Trp (NM_001378617.1); c.338C>T, p.Pro113Leu (NM_020785.2); short protein forms R29W, R78W, P113L.
Identifiers: ClinVar variation 2150847 (VCV002150847.3), dbSNP rs769077754, ClinGen allele CA2863305.

ClinVar aggregate classification (germline): Uncertain significance. Review status: criteria provided, multiple submitters, no conflicts (2 of 4 stars). 2 submissions from 2 submitters: Uncertain significance (2). Last evaluated 2024-10-15.

Conditions:
COACH syndrome 2. Identifiers: MedGen C5436837, MONDO:0030859, OMIM 619111.
Meckel syndrome, type 6. Identifiers: Orphanet 564, MedGen C2676790, MONDO:0012848, OMIM 612284.
Joubert syndrome 9 (JBTS9). Identifiers: Orphanet 2318, MedGen C2676788, MONDO:0012849, OMIM 612285.
Retinitis pigmentosa 93. Identifiers: MedGen C5676970, MONDO:0030797, OMIM 619845.
Joubert syndrome. Also called: JOUBERT-BOLTSHAUSER SYNDROME; Familial aplasia of the vermis. Identifiers: Orphanet 475, MedGen C5979921, MONDO:0018772.
Meckel-Gruber syndrome. Also called: DYSENCEPHALIA SPLANCHNOCYSTICA; GRUBER SYNDROME; Dysencephalia splachnocystica. Identifiers: Orphanet 564, MedGen C0265215, MONDO:0018921.

Allele frequency attached by ClinVar (database versions not stated): TOPMed below 0.00001; ExAC 0.00001.
gnomAD v4.1: 11 of 1,612,620 alleles (0.00068%); highest among the groups gnomAD compares: East Asian, 0.0022%; no homozygotes.

Submissions (2):

Labcorp Genetics (formerly Invitae), Labcorp
Classification: Uncertain significance for Joubert syndrome; Meckel-Gruber syndrome. Last evaluated: 2024-10-15. Review status: criteria provided, single submitter. Criteria: Invitae Variant Classification Sherloc (09022015). Collection method: clinical testing. Allele origin: germline.
Comment: This sequence change replaces arginine, which is basic and polar, with tryptophan, which is neutral and slightly polar, at codon 78 of the CC2D2A protein (p.Arg78Trp). This variant is present in population databases (rs769077754, gnomAD 0.01%). This variant has not been reported in the literature in individuals affected with CC2D2A-related conditions. ClinVar contains an entry for this variant (Variation ID: 2150847). Invitae Evidence Modeling of protein sequence and biophysical properties (such as structural, functional, and spatial information, amino acid conservation, physicochemical variation, residue mobility, and thermodynamic stability) indicates that this missense variant is not expected to disrupt CC2D2A protein function with a negative predictive value of 95%. In summary, the available evidence is currently insufficient to determine the role of this variant in disease. Therefore, it has been classified as a Variant of Uncertain Significance.

Fulgent Genetics
Classification: Uncertain significance for Meckel syndrome, type 6; Joubert syndrome 9; COACH syndrome 2; Retinitis pigmentosa 93. Last evaluated: 2024-05-01. Review status: criteria provided, single submitter. Criteria: ACMG Guidelines, 2015. Collection method: clinical testing. Allele origin: germline.